The following is an entry in ClinVar:

NM_000211.5(ITGB2):c.1636G>A (p.Gly546Ser)

Gene: ITGB2 (integrin subunit beta 2; minus strand). Cytogenetic location: 21q22.3.
Variant type: single nucleotide variant.
Coding change: c.1636G>A on transcript NM_000211.5 (MANE Select); coding-DNA position 1636, G replaced by A.
Protein change: p.Gly546Ser; replaces glycine 546 with serine.
Molecular consequence: missense variant.
Genome position (GRCh38, 1-based): chr21:44,889,999, C>T on the plus strand (G>A on the coding strand, the complement: ITGB2 is on the minus strand). VCF-style: chr21-44889999-C-T. GRCh37 (hg19) VCF-style: chr21-46309914-C-T.
Other names: c.1636G>A, p.Gly546Ser (NM_001127491.3); c.1429G>A, p.Gly477Ser (NM_001303238.2); c.1636G>A (NM_000211.3); short protein forms G546S, G477S.
Identifiers: ClinVar variation 957681 (VCV000957681.9), dbSNP rs1052752055, ClinGen allele CA321894550.

ClinVar aggregate classification (germline): Uncertain significance. Review status: criteria provided, multiple submitters, no conflicts (2 of 4 stars). 3 submissions from 3 submitters: Uncertain significance (3). Last evaluated 2025-12-09.

Conditions:
Inborn genetic diseases. Identifiers: MedGen C0950123, MeSH D030342.
Leukocyte adhesion deficiency 1 (LAD1). Also called: LEUKOCYTE ADHESION DEFICIENCY, TYPE I; LAD 1; Lymphocyte function-associated antigen 1 immunodeficiency; LFA 1 immunodeficiency. Identifiers: Orphanet 2968, Orphanet 99842, MedGen C0398738, MONDO:0007293, OMIM 116920.

Allele frequency attached by ClinVar (database versions not stated): gnomAD exomes below 0.00001 and 0.00001; TOPMed 0.00001.
gnomAD v4.1: 7 of 1,613,300 alleles (0.00043%); highest among the groups gnomAD compares: African/African-American, 0.0013%; no homozygotes.

Submissions (3):

Ambry Genetics
Classification: Uncertain significance for Inborn genetic diseases. Last evaluated: 2025-12-09. Review status: criteria provided, single submitter. Criteria: Ambry Variant Classification Scheme 2023. Collection method: clinical testing. Allele origin: germline.

Labcorp Genetics (formerly Invitae), Labcorp
Classification: Uncertain significance for Leukocyte adhesion deficiency 1. Last evaluated: 2023-12-11. Review status: criteria provided, single submitter. Criteria: Invitae Variant Classification Sherloc (09022015). Collection method: clinical testing. Allele origin: germline.
Comment: This sequence change replaces glycine, which is neutral and non-polar, with serine, which is neutral and polar, at codon 546 of the ITGB2 protein (p.Gly546Ser). This variant is present in population databases (no rsID available, gnomAD 0.0009%). This variant has not been reported in the literature in individuals affected with ITGB2-related conditions. ClinVar contains an entry for this variant (Variation ID: 957681). Algorithms developed to predict the effect of missense changes on protein structure and function output the following: SIFT: "Not Available"; PolyPhen-2: "Benign"; Align-GVGD: "Not Available". The serine amino acid residue is found in multiple mammalian species, which suggests that this missense change does not adversely affect protein function. In summary, the available evidence is currently insufficient to determine the role of this variant in disease. Therefore, it has been classified as a Variant of Uncertain Significance.

Breakthrough Genomics
Classification: Uncertain significance. Review status: criteria provided, single submitter. Criteria: ACMG Guidelines, 2015. Collection method: not provided. Allele origin: germline. Inheritance: Autosomal dominant inheritance. Affected: yes.